The following is an entry in ClinVar:

ClinVar aggregate classification (germline): Uncertain significance (1 of 4 stars; one submission).

Conditions:
46,XY sex reversal 9 (SRXY9). Also called: 46,XY SEX REVERSAL, ZFPM2-RELATED. Identifiers: Orphanet 251510, MedGen C4015129, MONDO:0014480, OMIM 616067.

Allele frequency attached by ClinVar (database versions not stated): gnomAD exomes 0.00004 and 0.00008; TOPMed 0.00005; ESP Exome Variant Server 0.00008; ExAC 0.00009; 1000 Genomes Project 0.00020; 1000 Genomes Project 30x 0.00031.
gnomAD v4.1: 56 of 1,613,800 alleles (0.0035%); highest among the groups gnomAD compares: Admixed American, 0.032%; no homozygotes.

Submission:

Labcorp Genetics (formerly Invitae), Labcorp
Classification: Uncertain significance for 46,XY sex reversal 9. Last evaluated: 2021-12-08. Review status: criteria provided, single submitter. Criteria: Invitae Variant Classification Sherloc (09022015). Collection method: clinical testing. Allele origin: germline.
Comment: In summary, the available evidence is currently insufficient to determine the role of this variant in disease. Therefore, it has been classified as a Variant of Uncertain Significance. Algorithms developed to predict the effect of missense changes on protein structure and function are either unavailable or do not agree on the potential impact of this missense change (SIFT: "Deleterious"; PolyPhen-2: "Probably Damaging"; Align-GVGD: "Class C0"). ClinVar contains an entry for this variant (Variation ID: 648901). This variant has not been reported in the literature in individuals affected with ZFPM2-related conditions. This variant is present in population databases (rs371546027, gnomAD 0.04%), and has an allele count higher than expected for a pathogenic variant. This sequence change replaces arginine, which is basic and polar, with cysteine, which is neutral and slightly polar, at codon 736 of the ZFPM2 protein (p.Arg736Cys).

NM_012082.4(ZFPM2):c.2206C>T (p.Arg736Cys)

Genes: ZFPM2 (zinc finger protein, FOG family member 2; plus strand), ZFPM2-AS1 (ZFPM2 antisense RNA 1; minus strand), LOC126860469 (BRD4-independent group 4 enhancer GRCh37_chr8:106814445-106815644; plus strand). Cytogenetic location: 8q23.1.
Variant type: single nucleotide variant.
Coding change: c.2206C>T on transcript NM_012082.4 (MANE Select); coding-DNA position 2206, C replaced by T.
Protein change: p.Arg736Cys; replaces arginine 736 with cysteine.
Molecular consequence: missense variant.
Genome position (GRCh38, 1-based): chr8:105,802,288, C>T. VCF-style: chr8-105802288-C-T. GRCh37 (hg19) VCF-style: chr8-106814516-C-T.
Other names: c.2047C>T, p.Arg683Cys (NM_001362836.2); c.1810C>T, p.Arg604Cys (NM_001362837.2); short protein forms R604C, R683C, R736C.
Identifiers: ClinVar variation 648901 (VCV000648901.7), dbSNP rs371546027, ClinGen allele CA4839874.
Genomic context (GRCh38, chr8:105,802,288, plus strand): 5'-CCTCCACTGAAGAGGTCTGCTTCCAACAAAGTGCCTGCCATGCAGAGAACCATGCGCACA[C>T]GCAAGCGCAGAAAGATGTATGAGATGTGCCTACCTGAGCAGGAACAAAGGCCTCCACTGG-3'
Protein context (NP_036214.2, residues 726-746): VPAMQRTMRT[Arg736Cys]KRRKMYEMCL